The following is an entry in ClinVar:

NM_005826.5(HNRNPR):c.455C>A (p.Pro152Gln)

Gene: HNRNPR (heterogeneous nuclear ribonucleoprotein R; minus strand). Cytogenetic location: 1p36.12.
Variant type: single nucleotide variant.
Coding change: c.455C>A on transcript NM_005826.5 (MANE Select); coding-DNA position 455, C replaced by A.
Protein change: p.Pro152Gln; replaces proline 152 with glutamine.
Molecular consequence: missense variant. On other transcripts: intron variant (2).
Genome position (GRCh38, 1-based): chr1:23,333,561, G>T on the plus strand (C>A on the coding strand, the complement: HNRNPR is on the minus strand). VCF-style: chr1-23333561-G-T. GRCh37 (hg19) VCF-style: chr1-23660054-G-T.
Other names: c.455C>A, p.Pro152Gln (NM_001102398.3, NM_001437727.1, NM_001438564.1); c.152C>A, p.Pro51Gln (NM_001102399.3, NM_001297621.2, NM_001102397.3); c.81+4193C>A (NM_001297622.2); c.384+4193C>A (NM_001297620.2); short protein forms P152Q, P51Q.
Identifiers: ClinVar variation 4540100 (VCV004540100.1).

ClinVar aggregate classification (germline): Likely pathogenic (1 of 4 stars; one submission).

Submission:

GeneDx
Classification: Likely pathogenic. Last evaluated: 2025-06-25. Review status: criteria provided, single submitter. Criteria: GeneDx Variant Classification Process June 2021. Collection method: clinical testing. Allele origin: germline. Affected: yes.
Comment: Not observed at significant frequency in large population cohorts (gnomAD); In silico analysis supports that this missense variant has a deleterious effect on protein structure/function; Has not been previously published as pathogenic or benign to our knowledge